The following is an entry in ClinVar:

ClinVar aggregate classification (germline): Pathogenic (1 of 4 stars; one submission).

Conditions:
Hereditary factor VIII deficiency disease (HEMA). Also called: HEMOPHILIA, CLASSIC; AUTOSOMAL HEMOPHILIA A; Hemophilia A; Hemophilia A, congenital; HEM A; Factor 8 deficiency, congenital. Identifiers: Orphanet 98878, MedGen C0019069, MONDO:0010602, OMIM 306700.

Submission:

ARUP Laboratories, Molecular Genetics and Genomics, ARUP Laboratories
Classification: Pathogenic for Hereditary factor VIII deficiency disease. Last evaluated: 2021-05-25. Review status: criteria provided, single submitter. Criteria: ARUP Molecular Germline Variant Investigation Process 2021. Collection method: clinical testing. Allele origin: germline.
Comment: The F8 c.1485C>G; p.Tyr495Ter variant, also known as c.1594C>G; p.Tyr476Ter, is reported in the literature in multiple individuals affected with moderate to severe hemophilia A (see Factor VIII database in references therein). This variant is absent from the Genome Aggregation Database, indicating it is not a common polymorphism. This variant induces an early termination codon and is predicted to result in a truncated protein or mRNA subject to nonsense-mediated decay. Based on available information, this variant is considered to be pathogenic. References: Factor VIII variant database

NM_000132.4(F8):c.1485C>G (p.Tyr495Ter)

Gene: F8 (coagulation factor VIII; minus strand). Cytogenetic location: Xq28.
Variant type: single nucleotide variant.
Coding change: c.1485C>G on transcript NM_000132.4 (MANE Select); coding-DNA position 1485, C replaced by G.
Protein change: p.Tyr495Ter; replaces tyrosine 495 with a stop codon.
Molecular consequence: nonsense.
Genome position (GRCh38, 1-based): chrX:154,961,127, G>C on the plus strand (C>G on the coding strand, the complement: F8 is on the minus strand). VCF-style: chrX-154961127-G-C. GRCh37 (hg19) VCF-style: chrX-154189402-G-C.
Other names: short protein forms Y495*.
Identifiers: ClinVar variation 1330501 (VCV001330501.7), dbSNP rs2124099224, ClinGen allele CA414912773.